The following is an entry in ClinVar:

ClinVar aggregate classification (germline): Uncertain significance (1 of 4 stars; one submission).

Conditions:
Neurodevelopmental disorder with or without hyperkinetic movements and seizures, autosomal dominant. Also called: Intellectual disability, autosomal dominant 8. Identifiers: MedGen C3280282, MONDO:0013655, OMIM 614254.

Allele frequency attached by ClinVar (database versions not stated): gnomAD exomes below 0.00001 and 0.00001.

Submission:

Labcorp Genetics (formerly Invitae), Labcorp
Classification: Uncertain significance for Neurodevelopmental disorder with or without hyperkinetic movements and seizures, autosomal dominant. Last evaluated: 2020-11-11. Review status: criteria provided, single submitter. Criteria: Invitae Variant Classification Sherloc (09022015). Collection method: clinical testing. Allele origin: germline.
Comment: This variant is not present in population databases (ExAC no frequency). This sequence change replaces tyrosine with cysteine at codon 351 of the GRIN1 protein (p.Tyr351Cys). The tyrosine residue is highly conserved and there is a large physicochemical difference between tyrosine and cysteine. This variant has not been reported in the literature in individuals with GRIN1-related conditions. In summary, the available evidence is currently insufficient to determine the role of this variant in disease. Therefore, it has been classified as a Variant of Uncertain Significance. Algorithms developed to predict the effect of missense changes on protein structure and function are either unavailable or do not agree on the potential impact of this missense change (SIFT: "Deleterious"; PolyPhen-2: "Probably Damaging"; Align-GVGD: "Class C0").

NM_007327.4(GRIN1):c.1052A>G (p.Tyr351Cys)

Gene: GRIN1 (glutamate ionotropic receptor NMDA type subunit 1; plus strand). Cytogenetic location: 9q34.3.
Variant type: single nucleotide variant.
Coding change: c.1052A>G on transcript NM_007327.4 (MANE Select); coding-DNA position 1052, A replaced by G.
Protein change: p.Tyr351Cys; replaces tyrosine 351 with cysteine.
Molecular consequence: missense variant.
Genome position (GRCh38, 1-based): chr9:137,158,462, A>G. VCF-style: chr9-137158462-A-G. GRCh37 (hg19) VCF-style: chr9-140052914-A-G.
Other names: c.1052A>G, p.Tyr351Cys (NM_000832.7, NM_021569.4); c.1115A>G, p.Tyr372Cys (NM_001185090.2, NM_001185091.2); short protein forms Y351C, Y372C.
Identifiers: ClinVar variation 1483509 (VCV001483509.8), dbSNP rs1396934954, ClinGen allele CA375715470.
Genomic context (GRCh38, chr9:137,158,462, plus strand): 5'-CGGATGGGGTGACTGGTCGCGTGGAGTTCAATGAGGATGGGGACCGGAAGTTCGCCAACT[A>G]CAGCATCATGAACCTGCAGAACCGCAAGCTGGTGCAAGTGGGCATCTACAATGGCACCCA-3'
Protein context (NP_015566.1, residues 341-361): NEDGDRKFAN[Tyr351Cys]SIMNLQNRKL